The following is an entry in ClinVar:

ClinVar aggregate classification (germline): Uncertain significance. Review status: criteria provided, multiple submitters, no conflicts (2 of 4 stars). 2 submissions from 2 submitters: Uncertain significance (2). Last evaluated 2023-02-03.

Conditions:
Inborn genetic diseases. Identifiers: MedGen C0950123, MeSH D030342.
Mosaic variegated aneuploidy syndrome 1 (MVA1). Also called: Warburton-Anyane-Yeboa syndrome. Identifiers: Orphanet 1052, MedGen C1850343, MONDO:0009759, OMIM 257300.

Allele frequency attached by ClinVar (database versions not stated): gnomAD exomes below 0.00001; ExAC 0.00001.

Submissions (2):

Ambry Genetics
Classification: Uncertain significance for Inborn genetic diseases. Last evaluated: 2023-02-03. Review status: criteria provided, single submitter. Criteria: Ambry Variant Classification Scheme 2023. Collection method: clinical testing. Allele origin: germline.
Comment: The p.G9A variant (also known as c.26G>C), located in coding exon 1 of the BUB1B gene, results from a G to C substitution at nucleotide position 26. The glycine at codon 9 is replaced by alanine, an amino acid with similar properties. This amino acid position is conserved. In addition, this alteration is predicted to be tolerated by in silico analysis. Since supporting evidence is limited at this time, the clinical significance of this alteration remains unclear.

Labcorp Genetics (formerly Invitae), Labcorp
Classification: Uncertain significance for Mosaic variegated aneuploidy syndrome 1. Last evaluated: 2020-05-03. Review status: criteria provided, single submitter. Criteria: Invitae Variant Classification Sherloc (09022015). Collection method: clinical testing. Allele origin: germline.
Comment: This sequence change replaces glycine with alanine at codon 9 of the BUB1B protein (p.Gly9Ala). The glycine residue is weakly conserved and there is a small physicochemical difference between glycine and alanine. This variant is present in population databases (rs768279736, ExAC 0.01%). This variant has not been reported in the literature in individuals with BUB1B-related conditions. ClinVar contains an entry for this variant (Variation ID: 575983). Algorithms developed to predict the effect of missense changes on protein structure and function (SIFT, PolyPhen-2, Align-GVGD) all suggest that this variant is likely to be tolerated, but these predictions have not been confirmed by published functional studies and their clinical significance is uncertain. In summary, the available evidence is currently insufficient to determine the role of this variant in disease. Therefore, it has been classified as a Variant of Uncertain Significance.

NM_001211.6(BUB1B):c.26G>C (p.Gly9Ala)

Genes: BUB1B (BUB1 mitotic checkpoint serine/threonine kinase B; plus strand), LOC130056830 (ATAC-STARR-seq lymphoblastoid active region 9236; plus strand). Cytogenetic location: 15q15.1.
Variant type: single nucleotide variant.
Coding change: c.26G>C on transcript NM_001211.6 (MANE Select); coding-DNA position 26, G replaced by C.
Protein change: p.Gly9Ala; replaces glycine 9 with alanine.
Molecular consequence: missense variant.
Genome position (GRCh38, 1-based): chr15:40,161,246, G>C. VCF-style: chr15-40161246-G-C. GRCh37 (hg19) VCF-style: chr15-40453447-G-C.
Other names: short protein forms G9A.
Identifiers: ClinVar variation 575983 (VCV000575983.12), dbSNP rs768279736, ClinGen allele CA7475318.